The following is an entry in ClinVar:

NC_000003.12:g.169764701G>A

Genes: TERC (telomerase RNA component; minus strand), LOC110806306 (telomerase RNA component (TERC) promoter; plus strand). Cytogenetic location: 3q26.2.
Variant type: single nucleotide variant.
Genome position: GRCh38 VCF-style: chr3-169764701-G-A. GRCh37 (hg19) VCF-style: chr3-169482489-G-A.
Identifiers: ClinVar variation 465768 (VCV000465768.9), dbSNP rs777348518, ClinGen allele CA436714948.

ClinVar aggregate classification (germline): Uncertain significance (1 of 4 stars; one submission).

Conditions:
Dyskeratosis congenita, autosomal dominant 1 (DKCA1). Also called: Dyskeratosis congenita Scoggins type. Identifiers: Orphanet 1775, MedGen C4551974, MONDO:0007485, OMIM 127550. Inheritance: Variable.

gnomAD v4.1: 4 of 761,258 alleles (0.00053%); highest among the groups gnomAD compares: African/African-American, 0.0017%; no homozygotes.

Submission:

Labcorp Genetics (formerly Invitae), Labcorp
Classification: Uncertain significance for Dyskeratosis congenita, autosomal dominant 1. Last evaluated: 2024-06-30. Review status: criteria provided, single submitter. Criteria: Invitae Variant Classification Sherloc (09022015). Collection method: clinical testing. Allele origin: germline.
Comment: This variant occurs in the TERC gene, which encodes an RNA molecule that does not result in a protein product. This variant is not present in population databases (gnomAD no frequency). This variant has not been reported in the literature in individuals affected with TERC-related conditions. ClinVar contains an entry for this variant (Variation ID: 465768). This variant is located within the BoxH/ACA scaRNA domain of the TERC RNA component, which is required for telomerase activity (PMID: 21844345). In summary, the available evidence is currently insufficient to determine the role of this variant in disease. Therefore, it has been classified as a Variant of Uncertain Significance.

Literature cited by the submitters: PubMed 21844345.